The following is an entry in ClinVar:

ClinVar aggregate classification (germline): Uncertain significance (1 of 4 stars; one submission).

gnomAD v4.1: 31 of 1,614,240 alleles (0.0019%); highest among the groups gnomAD compares: Non-Finnish European, 0.0025%; no homozygotes.

Submission:

Labcorp Genetics (formerly Invitae), Labcorp
Classification: Uncertain significance. Last evaluated: 2025-01-26. Review status: criteria provided, single submitter. Criteria: Invitae Variant Classification Sherloc (09022015). Collection method: clinical testing. Allele origin: germline.
Comment: This sequence change replaces histidine, which is basic and polar, with arginine, which is basic and polar, at codon 615 of the ADAMTS18 protein (p.His615Arg). This variant is present in population databases (no rsID available, gnomAD 0.0009%). This variant has not been reported in the literature in individuals affected with ADAMTS18-related conditions. An algorithm developed to predict the effect of missense changes on protein structure and function (PolyPhen-2) suggests that this variant is likely to be tolerated. In summary, the available evidence is currently insufficient to determine the role of this variant in disease. Therefore, it has been classified as a Variant of Uncertain Significance.

NM_199355.4(ADAMTS18):c.1844A>G (p.His615Arg)

Gene: ADAMTS18 (ADAM metallopeptidase with thrombospondin type 1 motif 18; minus strand). Cytogenetic location: 16q23.1.
Variant type: single nucleotide variant.
Coding change: c.1844A>G on transcript NM_199355.4 (MANE Select); coding-DNA position 1844, A replaced by G.
Protein change: p.His615Arg; replaces histidine 615 with arginine.
Molecular consequence: missense variant.
Genome position (GRCh38, 1-based): chr16:77,335,771, T>C on the plus strand (A>G on the coding strand, the complement: ADAMTS18 is on the minus strand). VCF-style: chr16-77335771-T-C. GRCh37 (hg19) VCF-style: chr16-77369668-T-C.
Other names: c.1328A>G, p.His443Arg (NM_001326358.2); short protein forms H443R, H615R.
Identifiers: ClinVar variation 3604617 (VCV003604617.2).